The following is an entry in ClinVar:

NM_001100.4(ACTA1):c.133G>A (p.Val45Ile)

Gene: ACTA1 (actin alpha 1, skeletal muscle; minus strand). Cytogenetic location: 1q42.13.
Variant type: single nucleotide variant.
Coding change: c.133G>A on transcript NM_001100.4 (MANE Select); coding-DNA position 133, G replaced by A.
Protein change: p.Val45Ile; replaces valine 45 with isoleucine.
Molecular consequence: missense variant.
Genome position (GRCh38, 1-based): chr1:229,432,877, C>T on the plus strand (G>A on the coding strand, the complement: ACTA1 is on the minus strand). VCF-style: chr1-229432877-C-T. GRCh37 (hg19) VCF-style: chr1-229568624-C-T.
Other names: short protein forms V45I.
Identifiers: ClinVar variation 861879 (VCV000861879.2), dbSNP rs398123562, ClinGen allele CA345151077.

ClinVar aggregate classification (germline): Uncertain significance (1 of 4 stars; one submission).

Conditions:
Actin accumulation myopathy (CMYO2A). Also called: Myopathy, actin, congenital, with cores; Nemaline myopathy 3, with intranuclear rods; CONGENITAL MYOPATHY 2A, TYPICAL, AUTOSOMAL DOMINANT; Nemaline myopathy type 3; Myopathy, actin, congenital, with excess of thin myofilaments. Identifiers: Orphanet 98904, MedGen C3711389, MONDO:0008070, OMIM 161800.

Allele frequency attached by ClinVar (database versions not stated): gnomAD exomes below 0.00001.

Submission:

Labcorp Genetics (formerly Invitae), Labcorp
Classification: Uncertain significance for Actin accumulation myopathy. Last evaluated: 2025-08-16. Review status: criteria provided, single submitter. Criteria: Invitae Variant Classification Sherloc (09022015). Collection method: clinical testing. Allele origin: germline.
Comment: This sequence change replaces valine, which is neutral and non-polar, with isoleucine, which is neutral and non-polar, at codon 45 of the ACTA1 protein (p.Val45Ile). This variant is present in population databases (no rsID available, gnomAD 0.0009%). This variant has not been reported in the literature in individuals affected with ACTA1-related conditions. ClinVar contains an entry for this variant (Variation ID: 861879). An algorithm developed to predict the effect of missense changes on protein structure and function (PolyPhen-2) suggests that this variant is likely to be tolerated. In summary, the available evidence is currently insufficient to determine the role of this variant in disease. Therefore, it has been classified as a Variant of Uncertain Significance.